The following is an entry in ClinVar:

NM_000059.4(BRCA2):c.5260G>A (p.Asp1754Asn)

Gene: BRCA2 (BRCA2 DNA repair associated; plus strand). Cytogenetic location: 13q13.1.
Variant type: single nucleotide variant.
Coding change: c.5260G>A on transcript NM_000059.4 (MANE Select); coding-DNA position 5260, G replaced by A.
Protein change: p.Asp1754Asn; replaces aspartic acid 1754 with asparagine.
Molecular consequence: missense variant.
Genome position (GRCh38, 1-based): chr13:32,339,615, G>A. VCF-style: chr13-32339615-G-A. GRCh37 (hg19) VCF-style: chr13-32913752-G-A.
Other names: short protein forms D1754N.
Identifiers: ClinVar variation 495469 (VCV000495469.8), dbSNP rs771571938, ClinGen allele CA387784724.

ClinVar aggregate classification (germline): Conflicting classifications of pathogenicity. Review status: criteria provided, conflicting classifications (1 of 4 stars). 5 submissions from 5 submitters: Uncertain significance (3); Likely benign (2). Last evaluated 2025-03-26.

Conditions:
Breast and/or ovarian cancer. Identifiers: MedGen CN221562.
Hereditary cancer-predisposing syndrome. Also called: Hereditary neoplastic syndrome; Tumor predisposition; Hereditary Cancer Syndrome; Neoplastic Syndromes, Hereditary. Identifiers: Orphanet 140162, MedGen C0027672, MeSH D009386, MONDO:0015356.
Familial cancer of breast. Also called: Hereditary breast cancer; hereditary breast carcinoma; BREAST CANCER, FAMILIAL. Identifiers: Orphanet 227535, MedGen C0346153, MONDO:0016419, OMIM 114480. Disease mechanism: loss of function.

Submissions (5):

Department of Clinical Genetics, Copenhagen University Hospital, Rigshospitalet
Classification: Likely benign for Familial cancer of breast. Last evaluated: 2025-03-26. Review status: criteria provided, single submitter. Criteria: ACMG Guidelines, 2015. Collection method: clinical testing. Allele origin: germline.
Comment: The following ACMG criteria has been used: PM2_SUP; BP1_Strong (SpliceAI < 0.1)

CHEO Genetics Diagnostic Laboratory, Children's Hospital of Eastern Ontario
Classification: Uncertain significance for Breast and/or ovarian cancer. Last evaluated: 2023-05-01. Review status: criteria provided, single submitter. Criteria: ACMG Guidelines, 2015. Collection method: clinical testing. Allele origin: germline.

University of Washington Department of Laboratory Medicine, University of Washington
Classification: Likely benign for Hereditary cancer-predisposing syndrome. Last evaluated: 2023-03-23. Review status: criteria provided, single submitter. Criteria: Dines et al. (Genet Med. 2020). Collection method: curation. Allele origin: germline.
Comment: Missense variant in a coldspot region where missense variants are very unlikely to be pathogenic (PMID:31911673).

BRCA2 exon 11 coldspot. Reclassification based on statistical prior probability.

Color Diagnostics, LLC DBA Color Health
Classification: Uncertain significance for Hereditary cancer-predisposing syndrome. Last evaluated: 2019-06-01. Review status: criteria provided, single submitter. Criteria: ACMG Guidelines, 2015. Collection method: clinical testing. Allele origin: germline.

Women's Health and Genetics/Laboratory Corporation of America, LabCorp
Classification: Uncertain significance. Last evaluated: 2016-02-19. Review status: criteria provided, single submitter. Criteria: LabCorp Variant Classification Summary - May 2015. Collection method: clinical testing. Allele origin: germline.